The following is an entry in ClinVar:

NM_000080.4(CHRNE):c.1419C>G (p.Ile473Met)

Gene: CHRNE (cholinergic receptor nicotinic epsilon subunit; minus strand). Cytogenetic location: 17p13.2.
Variant type: single nucleotide variant.
Coding change: c.1419C>G on transcript NM_000080.4 (MANE Select); coding-DNA position 1419, C replaced by G.
Protein change: p.Ile473Met; replaces isoleucine 473 with methionine.
Molecular consequence: missense variant.
Genome position (GRCh38, 1-based): chr17:4,898,799, G>C on the plus strand (C>G on the coding strand, the complement: CHRNE is on the minus strand). VCF-style: chr17-4898799-G-C. GRCh37 (hg19) VCF-style: chr17-4802094-G-C.
Other names: c.1419C>G, p.Ile473Met (LRG_1254t1); short protein forms I473M.
Identifiers: ClinVar variation 421400 (VCV000421400.2), dbSNP rs750097789, ClinGen allele CA16620462.

ClinVar aggregate classification (germline): Uncertain significance (1 of 4 stars; one submission).

Submission:

GeneDx
Classification: Uncertain significance. Last evaluated: 2016-06-03. Review status: criteria provided, single submitter. Criteria: GeneDx Variant Classification (06012015). Collection method: clinical testing. Allele origin: germline. Affected: yes.
Comment: The I473M variant in the CHRNE gene has not been reported previously as a pathogenic variant, nor as a benign variant, to our knowledge. The I473M variant was not observed in the Exome Aggregation Consortium (ExAC) data set, indicating it is not a common benign variant. The I473M variant is a conservative amino acid substitution, which is not likely to impact secondary protein structure as these residues share similar properties. This substitution occurs at a position that is conserved across species. In silico analysis is inconsistent in its predictions as to whether or not the variant is damaging to the protein structure/function. We interpret I473M as a variant of uncertain significance.